The following is an entry in ClinVar:

Conditions:
Breast-ovarian cancer, familial, susceptibility to, 1 (BROVCA1). Also called: BRCA1 Hereditary Breast and Ovarian Cancer; OVARIAN CANCER, SUSCEPTIBILITY TO. Identifiers: Orphanet 145, MedGen C2676676, MONDO:0011450, OMIM 604370. Disease mechanism: loss of function.

Submission:

Brotman Baty Institute, University of Washington
No classification provided (evidence only). Condition: Breast-ovarian cancer, familial 1. Review status: no classification provided. Collection method: in vitro. Allele origin: not applicable. Functional consequence: functionally_abnormal.
ClinVar note: "not provided" was previously submitted as the classification for the variant. However, the classification appeared to be based only on an observation of functional data so it was converted to no classification on 2025-07-30.

NM_007294.4(BRCA1):c.213-6T>G

Gene: BRCA1 (BRCA1 DNA repair associated; minus strand). Cytogenetic location: 17q21.31.
Variant type: single nucleotide variant.
Coding change: c.213-6T>G on transcript NM_007294.4 (MANE Select); 6 bases into the intron before coding-DNA position 213, T replaced by G.
Molecular consequence: intron variant.
Genome position (GRCh38, 1-based): chr17:43,104,962, A>C on the plus strand (T>G on the coding strand, the complement: BRCA1 is on the minus strand). VCF-style: chr17-43104962-A-C. GRCh37 (hg19) VCF-style: chr17-41256979-A-C.
Other names: c.213-6T>G (NM_001407597.1, NM_001407582.1, NM_001407623.1 and 167 more transcripts); c.3-6T>G (NM_001407917.1, NM_001407902.1, NM_001407956.1 and 58 more transcripts); c.72-6T>G (NM_001408462.1, NM_001407724.1, NM_001407697.1 and 99 more transcripts); c.135-6T>G (NM_001408414.1, NM_001408411.1, NM_001407655.1 and 21 more transcripts); c.-218-10102T>G (NM_001407967.1, NM_001407966.1); c.-169-6T>G (NM_001407959.1, NM_001407962.1, NM_001408512.1 and 4 more transcripts); c.81-6T>G (NM_001408451.1).
Identifiers: ClinVar variation 865282 (VCV000865282.3), dbSNP rs2054700006, ClinGen allele CA916080851.
Genomic context (GRCh38, chr17:43,104,962, plus strand): 5'-GATTTTCAATAGCTCTTCAACAAGTTGACTAAATCTCGTACTTTCTTGTAGGCTCCTGAA[A>C]TTAAATTGTTTGAGAAACACACTCAGCAAGTGATTATCAACCTTTTAAGGACACTAAAAT-3'